The following is an entry in ClinVar:

NM_031308.4(EPPK1):c.7861A>G (p.Thr2621Ala)

Gene: EPPK1 (epiplakin 1; minus strand). Cytogenetic location: 8q24.3.
Variant type: single nucleotide variant.
Coding change: c.7861A>G on transcript NM_031308.4 (MANE Select); coding-DNA position 7861, A replaced by G.
Protein change: p.Thr2621Ala; replaces threonine 2621 with alanine.
Molecular consequence: missense variant.
Genome position (GRCh38, 1-based): chr8:143,865,393, T>C on the plus strand (A>G on the coding strand, the complement: EPPK1 is on the minus strand). VCF-style: chr8-143865393-T-C.
Other names: short protein forms T2621A.
Identifiers: ClinVar variation 4881412 (VCV004881412.2).

ClinVar aggregate classification (germline): Uncertain significance (1 of 4 stars; one submission).

Submission:

Dasa
Classification: Uncertain significance. Last evaluated: 2024-11-04. Review status: criteria provided, single submitter. Criteria: DASA Assertion Criteria. Collection method: clinical testing. Allele origin: germline.
Comment: NM_031308.4(EPPK1):c.7861A>G (p.Thr2621Ala) is a missense variant that results in the substitution of threonine with alanine. This variant is rare in population databases. The currently available literature and clinical evidence are not sufficient to establish a definitive association between this variant and the reported condition. Therefore, this variant is classified as a variant of uncertain significance.